The following is an entry in ClinVar:

NC_000011.10:g.(?_31789914)_(31794829_?)del

Genes: PAX6 (paired box 6; minus strand), ELP4 (elongator acetyltransferase complex subunit 4; plus strand). Cytogenetic location: 11p13.
Variant type: Deletion.
Identifiers: ClinVar variation 529893 (VCV000529893.1).

ClinVar aggregate classification (germline): Pathogenic (1 of 4 stars; one submission).

Conditions:
Aniridia 1 (AN1). Identifiers: Orphanet 250923, MedGen C0344542, MONDO:0024507, OMIM 106210.
Irido-corneo-trabecular dysgenesis (ASGD5). Also called: ANTERIOR SEGMENT DYSGENESIS 5. Identifiers: Orphanet 708, MedGen C0344559, MONDO:0011414, OMIM 604229, HP:0000659.

Submission:

Labcorp Genetics (formerly Invitae), Labcorp
Classification: Pathogenic for Aniridia 1; Irido-corneo-trabecular dysgenesis. Last evaluated: 2018-01-02. Review status: criteria provided, single submitter. Criteria: Invitae Variant Classification Sherloc (09022015). Collection method: clinical testing. Allele origin: germline.
Comment: This variant is a gross deletion of the genomic region encompassing exons 8-13 of the PAX6 gene. The 5' boundary is likely confined to intron 7. The 3' end of this event is unknown as it extends through the termination codon beyond the assayed region for this gene and may encompass additional genes. While this deletion is not anticipated to result in nonsense mediated decay, it is expected to create a truncated protein product or disrupt mRNA translation. Gross deletions of exons 8-13 has been observed in individuals affected with aniridia (PMID: 18483559, Invitae). This deletion has been described in the literature as deletions of exons 9-14 based on alternative exon numbering. For these reasons, this variant has been classified as Pathogenic.

Literature cited by the submitters: PubMed 18483559.